The following is an entry in ClinVar:

NM_014225.6(PPP2R1A):c.1037C>T (p.Ala346Val)

Gene: PPP2R1A (protein phosphatase 2 scaffold subunit Aalpha; plus strand). Cytogenetic location: 19q13.41.
Variant type: single nucleotide variant.
Coding change: c.1037C>T on transcript NM_014225.6 (MANE Select); coding-DNA position 1037, C replaced by T.
Protein change: p.Ala346Val; replaces alanine 346 with valine.
Molecular consequence: missense variant. On other transcripts: non-coding transcript variant (1).
Genome position (GRCh38, 1-based): chr19:52,216,572, C>T. VCF-style: chr19-52216572-C-T. GRCh37 (hg19) VCF-style: chr19-52719825-C-T.
Other names: c.500C>T, p.Ala167Val (NM_001363656.2); short protein forms A346V, A167V.
Identifiers: ClinVar variation 4718098 (VCV004718098.1).

ClinVar aggregate classification (germline): Uncertain significance (1 of 4 stars; one submission).

Submission:

Labcorp Genetics (formerly Invitae), Labcorp
Classification: Uncertain significance. Last evaluated: 2025-04-22. Review status: criteria provided, single submitter. Criteria: Invitae Variant Classification Sherloc (09022015). Collection method: clinical testing. Allele origin: germline.
Comment: This sequence change replaces alanine, which is neutral and non-polar, with valine, which is neutral and non-polar, at codon 346 of the PPP2R1A protein (p.Ala346Val). This variant is not present in population databases (gnomAD no frequency). This variant has not been reported in the literature in individuals affected with PPP2R1A-related conditions. An algorithm developed to predict the effect of missense changes on protein structure and function (PolyPhen-2) suggests that this variant is likely to be disruptive. In summary, the available evidence is currently insufficient to determine the role of this variant in disease. Therefore, it has been classified as a Variant of Uncertain Significance.